The following is an entry in ClinVar:

ClinVar aggregate classification (germline): Uncertain significance (1 of 4 stars; one submission).

Conditions:
Oto-palato-digital syndrome, type I (OPD1). Also called: OPD I SYNDROME; OPD SYNDROME 1; Taybi syndrome; Otopalatodigital Syndrome, Type I; Otopalatodigital Syndrome Type 1 (FLNA-OPD1). Identifiers: Orphanet 669, Orphanet 90650, MedGen C0265251, MONDO:0010704, OMIM 311300.

Submission:

Victorian Clinical Genetics Services, Murdoch Childrens Research Institute
Classification: Uncertain significance for Oto-palato-digital syndrome, type I. Last evaluated: 2025-03-17. Review status: criteria provided, single submitter. Criteria: ACMG Guidelines, 2015. Collection method: clinical testing. Allele origin: germline. Affected: yes.
Comment: This variant is classified as VUS-3B. Evidence in support of pathogenic classification: Variant is absent from gnomAD (v2, v3 and v4). Additional information: Variant is predicted to result in a missense amino acid change from serine to cysteine; This variant is heterozygous; This gene is associated with both X-linked recessive and dominant disease (OMIM); This variant has no previous evidence of pathogenicity; No published segregation evidence has been identified for this variant; No published functional evidence has been identified for this variant; No comparable missense variants have previous evidence for pathogenicity; Variant is not located in an established domain, motif, hotspot or informative constraint region; Missense variant with inconclusive in silico prediction and uninformative conservation; Loss of function and gain of function are known mechanisms of disease in this gene. Loss of function variants are reported to cause periventricular nodular heterotopia, X-linked cardiac valvular dystrophy and gastrointestinal diseases, whereas gain of function missense variants and small in-frame deletions lead to the otopalatodigital spectrum of disease. X-linked cardiac valvular dystrophy is caused by mostly missense or splice variants in filamin repeats 1, 4, 5, 6 and 7 (PMID: 30089473).

Literature cited by the submitters: PubMed 30089473.

NM_001110556.2(FLNA):c.7610C>G (p.Ser2537Cys)

Genes: FLNA (filamin A; minus strand), LOC107988032 (Xq28 proximal FLNA-EMD recombination region; plus strand). Cytogenetic location: Xq28.
Variant type: single nucleotide variant.
Coding change: c.7610C>G on transcript NM_001110556.2 (MANE Select); coding-DNA position 7610, C replaced by G.
Protein change: p.Ser2537Cys; replaces serine 2537 with cysteine.
Molecular consequence: missense variant.
Genome position (GRCh38, 1-based): chrX:154,349,508, G>C on the plus strand (C>G on the coding strand, the complement: FLNA is on the minus strand). VCF-style: chrX-154349508-G-C. GRCh37 (hg19) VCF-style: chrX-153577876-G-C.
Other names: c.7586C>G, p.Ser2529Cys (NM_001456.4); short protein forms S2529C, S2537C.
Identifiers: ClinVar variation 4532173 (VCV004532173.1).